The following is an entry in ClinVar:

NM_020778.5(ALPK3):c.2419G>T (p.Glu807Ter)

Gene: ALPK3 (alpha kinase 3; plus strand). Cytogenetic location: 15q25.3.
Variant type: single nucleotide variant.
Coding change: c.2419G>T on transcript NM_020778.5 (MANE Select); coding-DNA position 2419, G replaced by T.
Protein change: p.Glu807Ter; replaces glutamic acid 807 with a stop codon.
Molecular consequence: nonsense.
Genome position (GRCh38, 1-based): chr15:84,857,157, G>T. VCF-style: chr15-84857157-G-T. GRCh37 (hg19) VCF-style: chr15-85400388-G-T.
Other names: short protein forms E807*.
Identifiers: ClinVar variation 3532754 (VCV003532754.1).

ClinVar aggregate classification (germline): Pathogenic (1 of 4 stars; one submission).

Conditions:
Cardiovascular phenotype. Identifiers: MedGen CN230736.

Submission:

Ambry Genetics
Classification: Pathogenic for Cardiovascular phenotype. Last evaluated: 2024-07-11. Review status: criteria provided, single submitter. Criteria: Ambry Variant Classification Scheme 2023. Collection method: clinical testing. Allele origin: germline.
Comment: The p.E1009* pathogenic mutation (also known as c.3025G>T), located in coding exon 6 of the ALPK3 gene, results from a G to T substitution at nucleotide position 3025. This changes the amino acid from a glutamic acid to a stop codon within coding exon 6. This variant is considered to be rare based on population cohorts in the Genome Aggregation Database (gnomAD). This alteration is expected to result in loss of function by premature protein truncation or nonsense-mediated mRNA decay. As such, this alteration is interpreted as a disease-causing mutation.